The following is an entry in ClinVar:

NM_001165963.4(SCN1A):c.4379A>G (p.Tyr1460Cys)

Genes: SCN1A (sodium voltage-gated channel alpha subunit 1; minus strand), LOC102724058 (uncharacterized LOC102724058; plus strand). Cytogenetic location: 2q24.3.
Variant type: single nucleotide variant.
Coding change: c.4379A>G on transcript NM_001165963.4 (MANE Select); coding-DNA position 4379, A replaced by G.
Protein change: p.Tyr1460Cys; replaces tyrosine 1460 with cysteine.
Molecular consequence: missense variant. On other transcripts: non-coding transcript variant (1).
Genome position (GRCh38, 1-based): chr2:165,998,135, T>C on the plus strand (A>G on the coding strand, the complement: SCN1A is on the minus strand). VCF-style: chr2-165998135-T-C. GRCh37 (hg19) VCF-style: chr2-166854645-T-C.
Other names: c.4295A>G, p.Tyr1432Cys (NM_001165964.3, NM_001353957.2, NM_001353958.2); c.4379A>G, p.Tyr1460Cys (NM_001202435.3, NM_001353948.2); c.4346A>G, p.Tyr1449Cys (NM_001353949.2, NM_001353950.2, NM_001353951.2 and 2 more transcripts); c.4343A>G, p.Tyr1448Cys (NM_001353954.2, NM_001353955.2); c.4292A>G, p.Tyr1431Cys (NM_001353960.2); c.1937A>G, p.Tyr646Cys (NM_001353961.2); short protein forms Y1431C, Y1432C, Y1448C, Y1449C, Y1460C, Y646C.
Identifiers: ClinVar variation 2505357 (VCV002505357.3), dbSNP rs2468394894, ClinGen allele CA349049423.

ClinVar aggregate classification (germline): Conflicting classifications of pathogenicity. Review status: criteria provided, conflicting classifications (1 of 4 stars). 2 submissions from 2 submitters: Likely pathogenic (1); Uncertain significance (1). Last evaluated 2023-05-26.

Conditions:
Developmental and epileptic encephalopathy 6B. Also called: Developmental and epileptic encephalopathy 6B, non-Dravet. Identifiers: MedGen C5543353, MONDO:0030268, OMIM 619317.
Severe myoclonic epilepsy in infancy (DRVT). Also called: Dravet syndrome; Epileptic encephalopathy, early infantile, 6 (Dravet syndrome); SEVERE MYOCLONIC EPILEPSY OF INFANCY; DEVELOPMENTAL AND EPILEPTIC ENCEPHALOPATHY 6A; Severe Myoclonic Epilepsy in Infancy (SMEI). Identifiers: Orphanet 33069, MedGen C0751122, MONDO:0100135, OMIM 607208.

Submissions (2):

Diagnostics Services (NGS), CSIR - Centre For Cellular And Molecular Biology
Classification: Likely pathogenic for Severe myoclonic epilepsy in infancy; Developmental and epileptic encephalopathy 6B. Last evaluated: 2023-05-26. Review status: criteria provided, single submitter. Criteria: ACMG Guidelines, 2015. Collection method: clinical testing. Allele origin: unknown. Affected: yes. Observed: 1 variant allele, 1 heterozygote.
Comment: The c.4379A>G variant is not present in publicly available population databases like 1000 Genomes, ExAC, EVS, gnomAD, Indian Exome Database or our in-house exome database. This variant has been previously published in literature with SCN1A-related conditions [PMID: 36229510, 28864458]. It has not been reported to the clinical databases like in ClinVar, Human Gene Mutation Database (HGMD) or OMIM, in any affected individuals. In silico pathogenicity prediction programs like SIFT, PolyPhen2, MutationTaster2, CADD, Varsome, Franklin etc predicted this variant to be likely deleterious. The variant is located in a mutational hotspot region of the gene.

Blueprint Genetics
Classification: Uncertain significance. Last evaluated: 2019-11-22. Review status: criteria provided, single submitter. Criteria: ACMG Guidelines, 2015. Collection method: clinical testing. Allele origin: germline.

Literature cited by the submitters: PubMed 36229510 (cited by Diagnostics Services (NGS), CSIR - Centre For Cellular And Molecular Biology); PubMed 28864458 (cited by Diagnostics Services (NGS), CSIR - Centre For Cellular And Molecular Biology).